The following is an entry in ClinVar:

NM_000052.7(ATP7A):c.348del (p.Ile118fs)

Gene: ATP7A (ATPase copper transporting alpha; plus strand). Cytogenetic location: Xq21.1.
Variant type: Deletion.
Coding change: c.348del on transcript NM_000052.7 (MANE Select); coding-DNA position 348, one base deleted (T; older notation c.348delT).
Protein change: p.Ile118fs; shifts the reading frame from isoleucine 118.
Molecular consequence: frameshift variant.
Genome position (GRCh38, 1-based): chrX:77,988,469, T deleted; the last of 2 consecutive T bases (chrX:77,988,468-77,988,469); deleting either gives the same sequence. VCF-style (leftmost placement, unchanged base first): chrX-77988467-AT-A. GRCh37 (hg19) VCF-style: chrX-77243963-AT-A.
Other names: c.348del, p.Ile118fs (NM_001282224.2); short protein forms I118fs.
Identifiers: ClinVar variation 1724669 (VCV001724669.3), dbSNP rs2522289672, ClinGen allele CA2580101436.
Genomic context (GRCh38, chrX:77,988,467, plus strand): 5'-CTGACTTTGCCATGGGACCATATCCAAAGCACATTGCTGAAGACCAAGGGTGTGACAGAC[AT>A]TAAAATTTACCCTCAGAAAAGAACTGTAGCAGTGACAATAATCCCTTCTATAGTGAATGC-3'

ClinVar aggregate classification (germline): Likely pathogenic (1 of 4 stars; one submission).

Conditions:
Menkes kinky-hair syndrome (MNK). Also called: Copper transport disease; Classic Menkes Disease; Menkes Disease. Identifiers: Orphanet 565, MedGen C0022716, MONDO:0010651, OMIM 309400.

Submission:

Myriad Genetics, Inc.
Classification: Likely pathogenic for Menkes kinky-hair syndrome. Last evaluated: 2022-02-25. Review status: criteria provided, single submitter. Criteria: Myriad Autosomal Dominant, Autosomal Recessive and X-Linked Classification Criteria (2023). Collection method: clinical testing. Allele origin: unknown.
Comment: NM_000052.5(ATP7A):c.348delT(I118Ffs*8) is expected to be pathogenic in the context of ATP7A-related disorders. This variant is predicted to lead to an abnormal or absent protein product due to the creation of a premature termination codon in ATP7A, a gene where loss-of-function variants are known to be pathogenic. Please note: this variant was assessed in the context of healthy population screening.